The following is an entry in ClinVar:

ClinVar aggregate classification (germline): Uncertain significance. Review status: criteria provided, multiple submitters, no conflicts (2 of 4 stars). 2 submissions from 2 submitters: Uncertain significance (2). Last evaluated 2025-04-01.

Allele frequency attached by ClinVar (database versions not stated): ExAC 0.00002; gnomAD 0.00007; gnomAD exomes 0.00007; TOPMed 0.00008.
gnomAD v4.1: 112 of 1,612,554 alleles (0.0069%); highest among the groups gnomAD compares: African/African-American, 0.012%; no homozygotes.

Submissions (2):

Ambry Genetics
Classification: Uncertain significance. Last evaluated: 2025-04-01. Review status: criteria provided, single submitter. Criteria: Ambry Variant Classification Scheme 2023. Collection method: clinical testing. Allele origin: germline.

Labcorp Genetics (formerly Invitae), Labcorp
Classification: Uncertain significance. Last evaluated: 2023-03-28. Review status: criteria provided, single submitter. Criteria: Invitae Variant Classification Sherloc (09022015). Collection method: clinical testing. Allele origin: germline.
Comment: This sequence change replaces alanine, which is neutral and non-polar, with valine, which is neutral and non-polar, at codon 1068 of the MYH7B protein (p.Ala1068Val). This variant is present in population databases (rs772050779, gnomAD 0.01%). This variant has not been reported in the literature in individuals affected with MYH7B-related conditions. Advanced modeling of protein sequence and biophysical properties (such as structural, functional, and spatial information, amino acid conservation, physicochemical variation, residue mobility, and thermodynamic stability) performed at Invitae indicates that this missense variant is not expected to disrupt MYH7B protein function. In summary, the available evidence is currently insufficient to determine the role of this variant in disease. Therefore, it has been classified as a Variant of Uncertain Significance.

NM_020884.7(MYH7B):c.3077C>T (p.Ala1026Val)

Gene: MYH7B (myosin heavy chain 7B; plus strand). Cytogenetic location: 20q11.22.
Variant type: single nucleotide variant.
Coding change: c.3077C>T on transcript NM_020884.7 (MANE Select); coding-DNA position 3077, C replaced by T.
Protein change: p.Ala1026Val; replaces alanine 1026 with valine.
Molecular consequence: missense variant.
Genome position (GRCh38, 1-based): chr20:34,996,479, C>T. VCF-style: chr20-34996479-C-T. GRCh37 (hg19) VCF-style: chr20-33584282-C-T.
Other names: short protein forms A1026V.
Identifiers: ClinVar variation 2456761 (VCV002456761.6), dbSNP rs772050779, ClinGen allele CA9827600.